The following is an entry in ClinVar:

NM_001122764.3(PPOX):c.383G>A (p.Trp128Ter)

Gene: PPOX (protoporphyrinogen oxidase; plus strand). Cytogenetic location: 1q23.3.
Variant type: single nucleotide variant.
Coding change: c.383G>A on transcript NM_001122764.3 (MANE Select); coding-DNA position 383, G replaced by A.
Protein change: p.Trp128Ter; replaces tryptophan 128 with a stop codon.
Molecular consequence: nonsense. On other transcripts: 5 prime UTR variant (4), intron variant (2).
Genome position (GRCh38, 1-based): chr1:161,168,039, G>A. VCF-style: chr1-161168039-G-A. GRCh37 (hg19) VCF-style: chr1-161137829-G-A.
Other names: p.Trp128*; c.383G>A, p.Trp128Ter (NM_000309.5, NM_001365398.1, NM_001365399.1); c.-45G>A (NM_001350129.2, NM_001365400.1); c.-104G>A (NM_001350130.2, NM_001365401.1); c.354-374G>A (NM_001350128.2); c.-34-374G>A (NM_001350131.2); short protein forms W128*.
Identifiers: ClinVar variation 4541809 (VCV004541809.1).

ClinVar aggregate classification (germline): Pathogenic (1 of 4 stars; one submission).

Submission:

Mayo Clinic Laboratories, Mayo Clinic
Classification: Pathogenic. Last evaluated: 2025-08-20. Review status: criteria provided, single submitter. Criteria: ACMG Guidelines, 2015. Collection method: clinical testing. Allele origin: germline. Observed: 1 variant allele.
Comment: PP4, PM2_supporting, PVS1

Literature cited by the submitters: PubMed 12655566.